The following is an entry in ClinVar:

ClinVar aggregate classification (germline): Uncertain significance (1 of 4 stars; one submission).

Conditions:
Intellectual developmental disorder, autosomal dominant 6, with or without seizures. Also called: GRIN2B-related developmental delay, intellectual disability and autism spectrum disorder; Intellectual disability, autosomal dominant 6. Identifiers: Orphanet 589547, MedGen C3151411, MONDO:0013509, OMIM 613970.
Developmental and epileptic encephalopathy, 27 (DEE27). Also called: Epileptic encephalopathy, early infantile, 27; GRIN2B-Related Neurodevelopmental Disorder. Identifiers: Orphanet 3451, MedGen C4015316, MONDO:0014505, OMIM 616139.

Allele frequency attached by ClinVar (database versions not stated): gnomAD exomes below 0.00001.
gnomAD v4.1: 1 of 1,613,774 alleles (0.000062%); highest among the groups gnomAD compares: Non-Finnish European, 0.000085%; no homozygotes.

Submission:

Labcorp Genetics (formerly Invitae), Labcorp
Classification: Uncertain significance for Developmental and epileptic encephalopathy, 27; Intellectual developmental disorder, autosomal dominant 6, with or without seizures. Last evaluated: 2022-10-29. Review status: criteria provided, single submitter. Criteria: Invitae Variant Classification Sherloc (09022015). Collection method: clinical testing. Allele origin: germline.
Comment: This variant is not present in population databases (gnomAD no frequency). This sequence change replaces aspartic acid, which is acidic and polar, with glycine, which is neutral and non-polar, at codon 1420 of the GRIN2B protein (p.Asp1420Gly). This variant has not been reported in the literature in individuals affected with GRIN2B-related conditions. In summary, the available evidence is currently insufficient to determine the role of this variant in disease. Therefore, it has been classified as a Variant of Uncertain Significance. Advanced modeling of protein sequence and biophysical properties (such as structural, functional, and spatial information, amino acid conservation, physicochemical variation, residue mobility, and thermodynamic stability) performed at Invitae indicates that this missense variant is not expected to disrupt GRIN2B protein function.

NM_000834.5(GRIN2B):c.4259A>G (p.Asp1420Gly)

Gene: GRIN2B (glutamate ionotropic receptor NMDA type subunit 2B; minus strand). Cytogenetic location: 12p13.1.
Variant type: single nucleotide variant.
Coding change: c.4259A>G on transcript NM_000834.5 (MANE Select); coding-DNA position 4259, A replaced by G.
Protein change: p.Asp1420Gly; replaces aspartic acid 1420 with glycine.
Molecular consequence: missense variant.
Genome position (GRCh38, 1-based): chr12:13,562,979, T>C on the plus strand (A>G on the coding strand, the complement: GRIN2B is on the minus strand). VCF-style: chr12-13562979-T-C. GRCh37 (hg19) VCF-style: chr12-13715913-T-C.
Other names: c.4259A>G, p.Asp1420Gly (NM_001413992.1); short protein forms D1420G.
Identifiers: ClinVar variation 2941104 (VCV002941104.3), dbSNP rs2497464846, ClinGen allele CA383985771.
Genomic context (GRCh38, chr12:13,562,979, plus strand): 5'-GCTGGCACGGCCCCATGAAGGGCCGAGACCACCGGCTTGTTGGTGACAAGGGCCCGGAAG[T>C]CCGGCCTGGCTTTCGACGCCCCCGCCACCGTGGGCTGCCTGAAGAAGTAGGATTTGCTGC-3'
Protein context (NP_000825.2, residues 1410-1430): TVAGASKARP[Asp1420Gly]FRALVTNKPV